The following is an entry in ClinVar:

ClinVar aggregate classification (germline): Likely benign (1 of 4 stars; one submission).

gnomAD v4.1: 7 of 1,613,364 alleles (0.00043%); highest among the groups gnomAD compares: South Asian, 0.0044%; no homozygotes.

Submission:

CeGaT Center for Human Genetics Tuebingen
Classification: Likely benign. Last evaluated: 2026-02-01. Review status: criteria provided, single submitter. Criteria: CeGaT Center For Human Genetics Tuebingen Variant Classification Criteria Version 2. Collection method: clinical testing. Allele origin: germline. Affected: yes. Observed: 1 variant allele.
Comment: MST1: BP4, BP7

NM_020998.4(MST1):c.1386C>T (p.Cys462=)

Gene: MST1 (macrophage stimulating 1; minus strand). Cytogenetic location: 3p21.31.
Variant type: single nucleotide variant.
Coding change: c.1386C>T on transcript NM_020998.4 (MANE Select); coding-DNA position 1386, C replaced by T.
Protein change: p.Cys462=; no amino-acid change (cysteine 462 retained).
Molecular consequence: synonymous variant. On other transcripts: missense variant (2), non-coding transcript variant (1).
Genome position (GRCh38, 1-based): chr3:49,685,597, G>A on the plus strand (C>T on the coding strand, the complement: MST1 is on the minus strand). VCF-style: chr3-49685597-G-A. GRCh37 (hg19) VCF-style: chr3-49723030-G-A.
Other names: c.1382C>T, p.Ala461Val (NM_001393581.1); c.1386C>T, p.Cys462= (NM_001393582.1); c.1256C>T, p.Ala419Val (NM_001393583.1); c.1251C>T, p.Cys417= (NM_001393584.1); c.1086C>T, p.Cys362= (NM_001393585.1); short protein forms A419V, A461V.
Identifiers: ClinVar variation 4823264 (VCV004823264.4).